The following is an entry in ClinVar:

ClinVar aggregate classification (germline): Uncertain significance (1 of 4 stars; one submission).

Submission:

Labcorp Genetics (formerly Invitae), Labcorp
Classification: Uncertain significance. Last evaluated: 2025-12-13. Review status: criteria provided, single submitter. Criteria: Invitae Variant Classification Sherloc (09022015). Collection method: clinical testing. Allele origin: germline.
Comment: This sequence change replaces cysteine, which is neutral and slightly polar, with arginine, which is basic and polar, at codon 455 of the LZTR1 protein (p.Cys455Arg). This variant is present in population databases (no rsID available, gnomAD 0.003%). This variant has not been reported in the literature in individuals affected with LZTR1-related conditions. Invitae Evidence Modeling of protein sequence and biophysical properties (such as structural, functional, and spatial information, amino acid conservation, physicochemical variation, residue mobility, and thermodynamic stability) indicates that this missense variant is not expected to disrupt LZTR1 protein function with a negative predictive value of 80%. In summary, the available evidence is currently insufficient to determine the role of this variant in disease. Therefore, it has been classified as a Variant of Uncertain Significance.

NM_006767.4(LZTR1):c.1363T>C (p.Cys455Arg)

Gene: LZTR1 (leucine zipper like post translational regulator 1; plus strand). Cytogenetic location: 22q11.21.
Variant type: single nucleotide variant.
Coding change: c.1363T>C on transcript NM_006767.4 (MANE Select); coding-DNA position 1363, T replaced by C.
Protein change: p.Cys455Arg; replaces cysteine 455 with arginine.
Molecular consequence: missense variant.
Genome position (GRCh38, 1-based): chr22:20,993,933, T>C. VCF-style: chr22-20993933-T-C. GRCh37 (hg19) VCF-style: chr22-21348222-T-C.
Other names: short protein forms C455R.
Identifiers: ClinVar variation 4710235 (VCV004710235.1).